The following is an entry in ClinVar:

NM_000059.4(BRCA2):c.6112C>T (p.His2038Tyr)

Gene: BRCA2 (BRCA2 DNA repair associated; plus strand). Cytogenetic location: 13q13.1.
Variant type: single nucleotide variant.
Coding change: c.6112C>T on transcript NM_000059.4 (MANE Select); coding-DNA position 6112, C replaced by T.
Protein change: p.His2038Tyr; replaces histidine 2038 with tyrosine.
Molecular consequence: missense variant.
Genome position (GRCh38, 1-based): chr13:32,340,467, C>T. VCF-style: chr13-32340467-C-T. GRCh37 (hg19) VCF-style: chr13-32914604-C-T.
Other names: short protein forms H2038Y.
Identifiers: ClinVar variation 133732 (VCV000133732.25), dbSNP rs587778123, ClinGen allele CA023663.
Genomic context (GRCh38, chr13:32,340,467, plus strand): 5'-AGTAACGAACATTCAGACCAGCTCACAAGAGAAGAAAATACTGCTATACGTACTCCAGAA[C>T]ATTTAATATCCCAAAAAGGCTTTTCATATAATGTGGTAAATTCATCTGCTTTCTCTGGAT-3'
Protein context (NP_000050.3, residues 2028-2048): EENTAIRTPE[His2038Tyr]LISQKGFSYN

ClinVar aggregate classification (germline): Conflicting classifications of pathogenicity. Review status: criteria provided, conflicting classifications (1 of 4 stars). 6 submissions from 6 submitters: Uncertain significance (4); Likely benign (1). 1 of the submissions does not count toward it. Last evaluated 2025-10-22.

Conditions:
Hereditary cancer-predisposing syndrome. Also called: Tumor predisposition; Hereditary neoplastic syndrome; Neoplastic Syndromes, Hereditary; Hereditary Cancer Syndrome. Identifiers: Orphanet 140162, MedGen C0027672, MeSH D009386, MONDO:0015356.
Hereditary breast ovarian cancer syndrome. Also called: Hereditary breast and ovarian cancer syndrome; Hereditary breast and ovarian cancer; Hereditary breast and ovarian cancer syndrome (HBOC); Breast and ovarian cancer; BRCA1- and BRCA2-Associated Hereditary Breast and Ovarian Cancer; Hereditary breast and/or ovarian cancer syndrome. Identifiers: Orphanet 145, MedGen C0677776, MeSH D061325, MONDO:0003582. Disease mechanism: loss of function.
Breast-ovarian cancer, familial, susceptibility to, 2 (BROVCA2). Also called: BRCA2 Hereditary Breast and Ovarian Cancer. Identifiers: Orphanet 145, MedGen C2675520, MONDO:0012933, OMIM 612555. Disease mechanism: loss of function.

gnomAD v4.1: 2 of 1,613,730 alleles (0.00012%); highest among the groups gnomAD compares: South Asian, 0.0011%; no homozygotes.

Submissions (6):

Ambry Genetics
Classification: Uncertain significance for Hereditary cancer-predisposing syndrome. Last evaluated: 2025-10-22. Review status: criteria provided, single submitter. Criteria: Ambry Variant Classification Scheme 2023. Collection method: clinical testing. Allele origin: germline.
Comment: The p.H2038Y variant (also known as c.6112C>T), located in coding exon 10 of the BRCA2 gene, results from a C to T substitution at nucleotide position 6112. The histidine at codon 2038 is replaced by tyrosine, an amino acid with similar properties. This alteration has been reported in a cohort of 1010 unrelated patients and families from across India with an indication of breast and/or ovarian cancers (Singh J et al. Breast Cancer Res. Treat., 2018 Jul;170:189-196). This amino acid position is poorly conserved in available vertebrate species. In addition, this alteration is predicted to be tolerated by in silico analysis. Since supporting evidence is limited at this time, the clinical significance of this alteration remains unclear.

Labcorp Genetics (formerly Invitae), Labcorp
Classification: Uncertain significance for Hereditary breast ovarian cancer syndrome. Last evaluated: 2025-02-12. Review status: criteria provided, single submitter. Criteria: Invitae Variant Classification Sherloc (09022015). Collection method: clinical testing. Allele origin: germline.
Comment: This sequence change replaces histidine, which is basic and polar, with tyrosine, which is neutral and polar, at codon 2038 of the BRCA2 protein (p.His2038Tyr). This variant is not present in population databases (gnomAD no frequency). This missense change has been observed in individual(s) with breast and/or ovarian cancer (PMID: 29470806). ClinVar contains an entry for this variant (Variation ID: 133732). Invitae Evidence Modeling of protein sequence and biophysical properties (such as structural, functional, and spatial information, amino acid conservation, physicochemical variation, residue mobility, and thermodynamic stability) indicates that this missense variant is not expected to disrupt BRCA2 protein function with a negative predictive value of 95%. In summary, the available evidence is currently insufficient to determine the role of this variant in disease. Therefore, it has been classified as a Variant of Uncertain Significance.

All of Us Research Program, National Institutes of Health
Classification: Uncertain significance for Breast-ovarian cancer, familial, susceptibility to, 2. Last evaluated: 2023-12-18. Review status: criteria provided, single submitter. Criteria: ACMG Guidelines, 2015. Collection method: clinical testing. Allele origin: germline. Inheritance: Autosomal dominant inheritance. Observed: 1 variant allele, 1 heterozygote.
Comment: This missense variant replaces histidine with tyrosine at codon 2038 of the BRCA2 protein. Computational prediction suggests that this variant may not impact protein structure and function (internally defined REVEL score threshold <= 0.5, PMID: 27666373). To our knowledge, functional studies have not been reported for this variant. This variant has been reported in 1 individual affected with breast or ovarian cancer (PMID: 29470806). This variant has not been identified in the general population by the Genome Aggregation Database (gnomAD). The available evidence is insufficient to determine the role of this variant in disease conclusively. Therefore, this variant is classified as a Variant of Uncertain Significance.

This study involves interpretation of variants in research participants for the purpose of population health screening. Participant phenotype was not available at the time of variant classification. Additional details can be found in publication PMID: 35346344, PMCID: PMC8962531

Color Diagnostics, LLC DBA Color Health
Classification: Uncertain significance for Hereditary cancer-predisposing syndrome. Last evaluated: 2023-11-16. Review status: criteria provided, single submitter. Criteria: ACMG Guidelines, 2015. Collection method: clinical testing. Allele origin: germline.
Comment: This missense variant replaces histidine with tyrosine at codon 2038 of the BRCA2 protein. Computational prediction suggests that this variant may not impact protein structure and function (internally defined REVEL score threshold <= 0.5, PMID: 27666373). To our knowledge, functional studies have not been reported for this variant. This variant has been reported in 1 individual affected with breast or ovarian cancer (PMID: 29470806). This variant has not been identified in the general population by the Genome Aggregation Database (gnomAD). The available evidence is insufficient to determine the role of this variant in disease conclusively. Therefore, this variant is classified as a Variant of Uncertain Significance.

University of Washington Department of Laboratory Medicine, University of Washington
Classification: Likely benign for Hereditary cancer-predisposing syndrome. Last evaluated: 2023-03-23. Review status: criteria provided, single submitter. Criteria: Dines et al. (Genet Med. 2020). Collection method: curation. Allele origin: germline.
Comment: Missense variant in a coldspot region where missense variants are very unlikely to be pathogenic (PMID:31911673).

BRCA2 exon 11 coldspot. Reclassification based on statistical prior probability.

ITMI
No classification provided. Condition: AllHighlyPenetrant. Last evaluated: 2013-09-19. Review status: no classification provided. Collection method: reference population. Allele origin: germline. Not counted in ClinVar's aggregate classification.
Comment: Please see associated publication for description of ethnicities

Literature cited by the submitters: PubMed 29470806 (cited by 4 submitters); PubMed 24728327 (cited by ITMI).